The following is an entry in ClinVar:

ClinVar aggregate classification (germline): Uncertain significance (1 of 4 stars; one submission).

Conditions:
Carnitine acylcarnitine translocase deficiency (CACTD). Identifiers: Orphanet 159, MedGen C0342791, MONDO:0008918, OMIM 212138.

Allele frequency attached by ClinVar (database versions not stated): gnomAD exomes below 0.00001 and 0.00001; ExAC 0.00003.
gnomAD v4.1: 2 of 1,613,970 alleles (0.00012%); highest among the groups gnomAD compares: South Asian, 0.0011%; no homozygotes.

Submission:

Labcorp Genetics (formerly Invitae), Labcorp
Classification: Uncertain significance for Carnitine acylcarnitine translocase deficiency. Last evaluated: 2020-03-19. Review status: criteria provided, single submitter. Criteria: Invitae Variant Classification Sherloc (09022015). Collection method: clinical testing. Allele origin: germline.
Comment: This sequence change replaces isoleucine with valine at codon 228 of the SLC25A20 protein (p.Ile228Val). The isoleucine residue is highly conserved and there is a small physicochemical difference between isoleucine and valine. This variant is present in population databases (rs752670118, ExAC 0.01%). This variant has not been reported in the literature in individuals with SLC25A20-related conditions. Algorithms developed to predict the effect of missense changes on protein structure and function (SIFT, PolyPhen-2, Align-GVGD) all suggest that this variant is likely to be tolerated, but these predictions have not been confirmed by published functional studies and their clinical significance is uncertain. Algorithms developed to predict the effect of sequence changes on RNA splicing suggest that this variant may create or strengthen a splice site, but this prediction has not been confirmed by published transcriptional studies. In summary, the available evidence is currently insufficient to determine the role of this variant in disease. Therefore, it has been classified as a Variant of Uncertain Significance.

NM_000387.6(SLC25A20):c.682A>G (p.Ile228Val)

Gene: SLC25A20 (solute carrier family 25 member 20; minus strand). Cytogenetic location: 3p21.31.
Variant type: single nucleotide variant.
Coding change: c.682A>G on transcript NM_000387.6 (MANE Select); coding-DNA position 682, A replaced by G.
Protein change: p.Ile228Val; replaces isoleucine 228 with valine.
Molecular consequence: missense variant.
Genome position (GRCh38, 1-based): chr3:48,859,128, T>C on the plus strand (A>G on the coding strand, the complement: SLC25A20 is on the minus strand). VCF-style: chr3-48859128-T-C. GRCh37 (hg19) VCF-style: chr3-48896561-T-C.
Other names: short protein forms I228V.
Identifiers: ClinVar variation 1035987 (VCV001035987.1), dbSNP rs752670118, ClinGen allele CA2387317.
Genomic context (GRCh38, chr3:48,859,128, plus strand): 5'-TCCACCCCACTACCTTCCACTCACCAGTCTGGAATCGAGACTTGAGCACATCTGGGGGGA[T>C]TGCCACAGCCCAGTTGAAGATCCCTGCAATGCCCCCAGCCACCAAGATCCGAGGGGCACT-3'
Protein context (NP_000378.1, residues 218-238): IAGIFNWAVA[Ile228Val]PPDVLKSRFQ